The following is an entry in ClinVar:

NM_017654.4(SAMD9):c.4736G>A (p.Gly1579Glu)

Gene: SAMD9 (sterile alpha motif domain containing 9; minus strand). Cytogenetic location: 7q21.2.
Variant type: single nucleotide variant.
Coding change: c.4736G>A on transcript NM_017654.4 (MANE Select); coding-DNA position 4736, G replaced by A.
Protein change: p.Gly1579Glu; replaces glycine 1579 with glutamic acid.
Molecular consequence: missense variant.
Genome position (GRCh38, 1-based): chr7:93,101,362, C>T on the plus strand (G>A on the coding strand, the complement: SAMD9 is on the minus strand). VCF-style: chr7-93101362-C-T. GRCh37 (hg19) VCF-style: chr7-92730675-C-T.
Other names: c.4736G>A, p.Gly1579Glu (NM_001193307.2); short protein forms G1579E.
Identifiers: ClinVar variation 3949694 (VCV003949694.1).
Genomic context (GRCh38, chr7:93,101,362, plus strand): 5'-ATTCTTGGAGGAAGAATATCAGGCTCTTAAACAATTTCAATGTCATAAGCAAGTGGGCCT[C>T]CAATGGAAAATCCCAGGTAAAAAGACACCTTCTCTATGCTTCTGCCACTTCTAAGTTGAC-3'
Protein context (NP_060124.2, residues 1569-1589): KVSFYLGFSI[Gly1579Glu]GPLAYDIEIV

ClinVar aggregate classification (germline): Uncertain significance (1 of 4 stars; one submission).

Conditions:
Inborn genetic diseases. Identifiers: MedGen C0950123, MeSH D030342.

gnomAD v4.1: 2 of 1,613,272 alleles (0.00012%); highest among the groups gnomAD compares: Non-Finnish European, 0.00017%; no homozygotes.

Submission:

Ambry Genetics
Classification: Uncertain significance for Inborn genetic diseases. Last evaluated: 2025-05-31. Review status: criteria provided, single submitter. Criteria: Ambry Variant Classification Scheme 2023. Collection method: clinical testing. Allele origin: germline.
Comment: The p.G1579E variant (also known as c.4736G>A), located in coding exon 1 of the SAMD9 gene, results from a G to A substitution at nucleotide position 4736. The glycine at codon 1579 is replaced by glutamic acid, an amino acid with similar properties. This amino acid position is conserved. In addition, this alteration is predicted to be tolerated by in silico analysis. Based on the available evidence, the clinical significance of this variant remains unclear.